The following is an entry in ClinVar:

NM_001379029.1(CERT1):c.506A>T (p.Asp169Val)

Gene: CERT1 (ceramide transporter 1; minus strand). Cytogenetic location: 5q13.3.
Variant type: single nucleotide variant.
Coding change: c.506A>T on transcript NM_001379029.1 (MANE Select); coding-DNA position 506, A replaced by T.
Protein change: p.Asp169Val; replaces aspartic acid 169 with valine.
Molecular consequence: missense variant.
Genome position (GRCh38, 1-based): chr5:75,425,450, T>A on the plus strand (A>T on the coding strand, the complement: CERT1 is on the minus strand). VCF-style: chr5-75425450-T-A. GRCh37 (hg19) VCF-style: chr5-74721275-T-A.
Other names: c.890A>T, p.Asp297Val (NM_001130105.1); c.506A>T, p.Asp169Val (NM_001379002.1, NM_001379003.1, NM_001379004.1 and 2 more transcripts); short protein forms D169V, D297V.
Identifiers: ClinVar variation 5008902 (VCV005008902.1).

ClinVar aggregate classification (germline): Uncertain significance (1 of 4 stars; one submission).

Submission:

GeneDx
Classification: Uncertain significance. Last evaluated: 2026-03-16. Review status: criteria provided, single submitter. Criteria: GeneDx Variant Classification Process June 2021. Collection method: clinical testing. Allele origin: germline.
Comment: Not observed at significant frequency in large population cohorts (gnomAD); In silico analysis supports that this missense variant has a deleterious effect on protein structure/function; Has not been previously published as pathogenic or benign to our knowledge